The following is an entry in ClinVar:

ClinVar aggregate classification (germline): Likely benign (1 of 4 stars; one submission).

Allele frequency attached by ClinVar (database versions not stated): gnomAD exomes below 0.00001; ExAC 0.00002.

Submission:

GeneDx
Classification: Likely benign. Last evaluated: 2017-10-19. Review status: criteria provided, single submitter. Criteria: GeneDx Variant Classification (06012015). Collection method: clinical testing. Allele origin: germline. Affected: yes.
Comment: This variant is considered likely benign or benign based on one or more of the following criteria: it is a conservative change, it occurs at a poorly conserved position in the protein, it is predicted to be benign by multiple in silico algorithms, and/or has population frequency not consistent with disease.

NM_020442.6(VARS2):c.2674-15C>T

Gene: VARS2 (valyl-tRNA synthetase 2, mitochondrial; plus strand). Cytogenetic location: 6p21.33.
Variant type: single nucleotide variant.
Coding change: c.2674-15C>T on transcript NM_020442.6 (MANE Select); 15 bases into the intron before coding-DNA position 2674, C replaced by T.
Molecular consequence: intron variant.
Genome position (GRCh38, 1-based): chr6:30,925,259, C>T. VCF-style: chr6-30925259-C-T. GRCh37 (hg19) VCF-style: chr6-30893036-C-T.
Other names: c.2764-15C>T (NM_001167734.2); c.2254-15C>T (NM_001167733.3).
Identifiers: ClinVar variation 512550 (VCV000512550.1), dbSNP rs763849053, ClinGen allele CA3706347.